The following is an entry in ClinVar:

ClinVar aggregate classification (germline): Uncertain significance (1 of 4 stars; one submission).

Conditions:
Cone-rod dystrophy 2 (CORD2). Also called: CONE-ROD RETINAL DYSTROPHY; Cone-rod retinal dystrophy 2. Identifiers: Orphanet 1872, MedGen C3489532, MONDO:0007362, OMIM 120970.
Leber congenital amaurosis 7 (LCA7). Identifiers: Orphanet 65, MedGen C3151192, MONDO:0013449, OMIM 613829.

Submission:

Labcorp Genetics (formerly Invitae), Labcorp
Classification: Uncertain significance for Cone-rod dystrophy 2; Leber congenital amaurosis 7. Last evaluated: 2022-07-06. Review status: criteria provided, single submitter. Criteria: Invitae Variant Classification Sherloc (09022015). Collection method: clinical testing. Allele origin: germline.
Comment: This sequence change replaces serine, which is neutral and polar, with alanine, which is neutral and non-polar, at codon 139 of the CRX protein (p.Ser139Ala). This variant is not present in population databases (gnomAD no frequency). This variant has not been reported in the literature in individuals affected with CRX-related conditions. ClinVar contains an entry for this variant (Variation ID: 1375987). In summary, the available evidence is currently insufficient to determine the role of this variant in disease. Therefore, it has been classified as a Variant of Uncertain Significance. Algorithms developed to predict the effect of missense changes on protein structure and function are either unavailable or do not agree on the potential impact of this missense change (SIFT: "Deleterious"; PolyPhen-2: "Benign"; Align-GVGD: "Class C65").

NM_000554.6(CRX):c.415T>G (p.Ser139Ala)

Gene: CRX (cone-rod homeobox; plus strand). Cytogenetic location: 19q13.33.
Variant type: single nucleotide variant.
Coding change: c.415T>G on transcript NM_000554.6 (MANE Select); coding-DNA position 415, T replaced by G.
Protein change: p.Ser139Ala; replaces serine 139 with alanine.
Molecular consequence: missense variant.
Genome position (GRCh38, 1-based): chr19:47,839,482, T>G. VCF-style: chr19-47839482-T-G. GRCh37 (hg19) VCF-style: chr19-48342739-T-G.
Other names: short protein forms S139A.
Identifiers: ClinVar variation 1375987 (VCV001375987.6), dbSNP rs373281561, ClinGen allele CA406630596.
Genomic context (GRCh38, chr19:47,839,482, plus strand): 5'-AGGAAGGCGGGCACGTCCCCAAGACCCTCCACAGATGTGTGTCCAGACCCTCTGGGCATC[T>G]CAGATTCCTACAGTCCCCCTCTGCCCGGCCCCTCAGGCTCCCCAACCACGGCAGTGGCCA-3'
Protein context (NP_000545.1, residues 129-149): TDVCPDPLGI[Ser139Ala]DSYSPPLPGP